The following is an entry in ClinVar:

NM_207361.6(FREM2):c.973A>G (p.Met325Val)

Gene: FREM2 (FRAS1 related extracellular matrix 2; plus strand). Cytogenetic location: 13q13.3.
Variant type: single nucleotide variant.
Coding change: c.973A>G on transcript NM_207361.6 (MANE Select); coding-DNA position 973, A replaced by G.
Protein change: p.Met325Val; replaces methionine 325 with valine.
Molecular consequence: missense variant.
Genome position (GRCh38, 1-based): chr13:38,688,317, A>G. VCF-style: chr13-38688317-A-G. GRCh37 (hg19) VCF-style: chr13-39262454-A-G.
Other names: short protein forms M325V.
Identifiers: ClinVar variation 3774697 (VCV003774697.2).
Genomic context (GRCh38, chr13:38,688,317, plus strand): 5'-GTTCTGGTGAGGATCCGAGGAGGGGCCGAGAACACTGCACCCAAGCCCAGTTTCGTGGCC[A>G]TGATGATGATGGAGGTGGACCAGTTTGTACTGACGGCCCTGACCCCAGACATGCTGGCAG-3'
Protein context (NP_997244.4, residues 315-335): NTAPKPSFVA[Met325Val]MMMEVDQFVL

ClinVar aggregate classification (germline): Uncertain significance. Review status: criteria provided, multiple submitters, no conflicts (2 of 4 stars). 2 submissions from 2 submitters: Uncertain significance (2). Last evaluated 2025-08-12.

Conditions:
Inborn genetic diseases. Identifiers: MedGen C0950123, MeSH D030342.

Submissions (2):

Ambry Genetics
Classification: Uncertain significance for Inborn genetic diseases. Last evaluated: 2025-08-12. Review status: criteria provided, single submitter. Criteria: Ambry Variant Classification Scheme 2023. Collection method: clinical testing. Allele origin: germline.

GeneDx
Classification: Uncertain significance. Last evaluated: 2024-09-20. Review status: criteria provided, single submitter. Criteria: GeneDx Variant Classification Process June 2021. Collection method: clinical testing. Allele origin: germline. Affected: yes.
Comment: Has not been previously published as pathogenic or benign to our knowledge; In silico analysis indicates that this missense variant does not alter protein structure/function